The following is an entry in ClinVar:

NM_001037.5(SCN1B):c.542G>A (p.Cys181Tyr)

Gene: SCN1B (sodium voltage-gated channel beta subunit 1; plus strand). Cytogenetic location: 19q13.11.
Variant type: single nucleotide variant.
Coding change: c.542G>A on transcript NM_001037.5 (MANE Select); coding-DNA position 542, G replaced by A.
Protein change: p.Cys181Tyr; replaces cysteine 181 with tyrosine.
Molecular consequence: missense variant.
Genome position (GRCh38, 1-based): chr19:35,039,210, G>A. VCF-style: chr19-35039210-G-A. GRCh37 (hg19) VCF-style: chr19-35530114-G-A.
Other names: c.443G>A, p.Cys148Tyr (NM_001321605.2); short protein forms C181Y, C148Y.
Identifiers: ClinVar variation 654138 (VCV000654138.1), dbSNP rs1173931729, ClinGen allele CA405330095.

ClinVar aggregate classification (germline): Uncertain significance (1 of 4 stars; one submission).

Conditions:
Brugada syndrome 5 (BRGDA5). Identifiers: Orphanet 130, Orphanet 871, MedGen C2748541, MONDO:0013015, OMIM 612838.

Allele frequency attached by ClinVar (database versions not stated): gnomAD 0.00001; TOPMed 0.00001.
gnomAD v4.1: 1 of 1,614,022 alleles (0.000062%); no homozygotes.

Submission:

Labcorp Genetics (formerly Invitae), Labcorp
Classification: Uncertain significance for Brugada syndrome 5. Last evaluated: 2018-10-30. Review status: criteria provided, single submitter. Criteria: Invitae Variant Classification Sherloc (09022015). Collection method: clinical testing. Allele origin: germline.
Comment: This sequence change replaces cysteine with tyrosine at codon 181 of the SCN1B protein (p.Cys181Tyr). The cysteine residue is highly conserved and there is a large physicochemical difference between cysteine and tyrosine. The SCN1B gene has multiple clinically relevant transcripts. TheÂ¬â€ p.Cys181TyrÂ¬â€ variant occurs in alternate transcriptÂ¬â€ NM_001037.4, which corresponds to position c.*5112G>A in NM_199037.3, the primary transcript listed in the Methods. This variant is not present in population databases (ExAC no frequency). This variant has not been reported in the literature in individuals with SCN1B-related disease. Algorithms developed to predict the effect of missense changes on protein structure and function are either unavailable or do not agree on the potential impact of this missense change (SIFT: "Deleterious"; PolyPhen-2: "Not Available"; Align-GVGD: "Class C0"). In summary, the available evidence is currently insufficient to determine the role of this variant in disease. Therefore, it has been classified as a Variant of Uncertain Significance.